The following is an entry in ClinVar:

NM_052813.5(CARD9):c.1228G>A (p.Glu410Lys)

Gene: CARD9 (caspase recruitment domain family member 9; minus strand). Cytogenetic location: 9q34.3.
Variant type: single nucleotide variant.
Coding change: c.1228G>A on transcript NM_052813.5 (MANE Select); coding-DNA position 1228, G replaced by A.
Protein change: p.Glu410Lys; replaces glutamic acid 410 with lysine.
Molecular consequence: missense variant.
Genome position (GRCh38, 1-based): chr9:136,367,678, C>T on the plus strand (G>A on the coding strand, the complement: CARD9 is on the minus strand). VCF-style: chr9-136367678-C-T. GRCh37 (hg19) VCF-style: chr9-139262130-C-T.
Other names: c.1228G>A, p.Glu410Lys (NM_052814.4); short protein forms E410K.
Identifiers: ClinVar variation 1716535 (VCV001716535.6), dbSNP rs1263126134, ClinGen allele CA375542552.

ClinVar aggregate classification (germline): Uncertain significance (1 of 4 stars; one submission).

Conditions:
Predisposition to invasive fungal disease due to CARD9 deficiency (IMD103). Also called: CARD9 IMMUNODEFICIENCY; IMMUNODEFICIENCY 103, SUSCEPTIBILITY TO FUNGAL INFECTIONS; Candidiasis, familial, 2, autosomal recessive. Identifiers: Orphanet 457088, MedGen C1859353, MONDO:0008905, OMIM 212050.

Submission:

Labcorp Genetics (formerly Invitae), Labcorp
Classification: Uncertain significance for Predisposition to invasive fungal disease due to CARD9 deficiency. Last evaluated: 2022-08-16. Review status: criteria provided, single submitter. Criteria: Invitae Variant Classification Sherloc (09022015). Collection method: clinical testing. Allele origin: germline.
Comment: This sequence change replaces glutamic acid, which is acidic and polar, with lysine, which is basic and polar, at codon 410 of the CARD9 protein (p.Glu410Lys). This variant is not present in population databases (gnomAD no frequency). This variant has not been reported in the literature in individuals affected with CARD9-related conditions. Algorithms developed to predict the effect of missense changes on protein structure and function (SIFT, PolyPhen-2, Align-GVGD) all suggest that this variant is likely to be tolerated. In summary, the available evidence is currently insufficient to determine the role of this variant in disease. Therefore, it has been classified as a Variant of Uncertain Significance.